The following is an entry in ClinVar:

NM_001376.5(DYNC1H1):c.12607AAG[1] (p.Lys4204del)

Gene: DYNC1H1 (dynein cytoplasmic 1 heavy chain 1; plus strand). Cytogenetic location: 14q32.31.
Variant type: Microsatellite.
Coding change: c.12607AAG[1] on transcript NM_001376.5 (MANE Select); one copy of the 3-base unit AAG starting at c.12607; the reference has two copies in a row; one copy, 3 bases deleted; also written c.12610_12612del.
Protein change: p.Lys4204del; deletes lysine 4204.
Molecular consequence: inframe deletion.
Genome position (GRCh38, 1-based): chr14:102,043,971-102,043,973, AAG deleted; deleting any 3 consecutive bases within chr14:102,043,968-102,043,973 gives the same sequence; the position shown is the placement nearest the transcript's 3' end. VCF-style (leftmost placement, unchanged base first): chr14-102043967-AAAG-A. GRCh37 (hg19) VCF-style: chr14-102510304-AAAG-A.
Other names: c.12610_12612del (NM_001376.4); short protein forms K4204del.
Identifiers: ClinVar variation 1482047 (VCV001482047.9), dbSNP rs2152597501, ClinGen allele CA2580613770.

ClinVar aggregate classification (germline): Uncertain significance. Review status: criteria provided, multiple submitters, no conflicts (2 of 4 stars). 2 submissions from 2 submitters: Uncertain significance (2). Last evaluated 2025-05-09.

Conditions:
Charcot-Marie-Tooth disease axonal type 2O. Also called: CHARCOT-MARIE-TOOTH NEUROPATHY, AXONAL, TYPE 2O; CHARCOT-MARIE-TOOTH DISEASE, AXONAL, AUTOSOMAL DOMINANT, TYPE 2O; Charcot-Marie-Tooth Neuropathy Type 2O; Charcot-Marie-Tooth disease, axonal, type 20. Identifiers: Orphanet 284232, MedGen C3280220, MONDO:0013644, OMIM 614228.

Submissions (2):

GeneDx
Classification: Uncertain significance. Last evaluated: 2025-05-09. Review status: criteria provided, single submitter. Criteria: GeneDx Variant Classification Process June 2021. Collection method: clinical testing. Allele origin: germline. Affected: yes.
Comment: In-frame deletion of 1 amino acid in a non-repeat region; Not observed at significant frequency in large population cohorts (gnomAD); In silico analysis supports a deleterious effect on protein structure/function; Has not been previously published as pathogenic or benign to our knowledge; This variant is associated with the following publications: (PMID: 25512093, 25609763, 26100331)

Labcorp Genetics (formerly Invitae), Labcorp
Classification: Uncertain significance for Charcot-Marie-Tooth disease axonal type 2O. Last evaluated: 2021-01-18. Review status: criteria provided, single submitter. Criteria: Invitae Variant Classification Sherloc (09022015). Collection method: clinical testing. Allele origin: germline.
Comment: In summary, the available evidence is currently insufficient to determine the role of this variant in disease. Therefore, it has been classified as a Variant of Uncertain Significance. Algorithms developed to predict the effect of sequence changes on RNA splicing suggest that this variant may create or strengthen a splice site, but this prediction has not been confirmed by published transcriptional studies. Experimental studies and prediction algorithms are not available or were not evaluated, and the functional significance of this variant is currently unknown. This variant has not been reported in the literature in individuals with DYNC1H1-related conditions. This variant is not present in population databases (ExAC no frequency). This variant, c.12610_12612del, results in the deletion of 1 amino acid(s) of the DYNC1H1 protein (p.Lys4204del), but otherwise preserves the integrity of the reading frame.